The following continues an entry in ClinVar:

NM_004004.6(GJB2):c.283G>A (p.Val95Met)

Gene: GJB2. ClinVar aggregate classification (germline): Pathogenic/Likely pathogenic. Pathogenic (17); Likely pathogenic (2).

Submissions 17 to 22 of 22:

Laboratory for Molecular Medicine, Mass General Brigham Personalized Medicine
Classification: Pathogenic for Rare genetic deafness. Last evaluated: 2017-05-02. Review status: criteria provided, single submitter. Criteria: LMM Criteria. Collection method: clinical testing. Allele origin: germline. Inheritance: Autosomal recessive inheritance. Observed: 8 variant alleles.
Comment: The p.Val95Met variant in GJB2 has been reported in the compound heterozygous st ate in at least 19 individuals with hearing loss and segregated in at least thre e affected relatives (Cheng 2005, Cryns 2004, Kelley 1998, Lemonnier 1990, Marli n 2005, Oliveira 2002, Pandya 2003, Wang 2003, LMM data). This variant has been identified in multiple ethnic groups with a highest frequency of 5/33580 of Lati no chromosomes by the Genome Aggregation Database (gnomAD; dbSNP rs111033299). Although this variant has been seen in the gene ral population, its frequency is low enough to be consistent with a carrier freq uency for autosomal recessive nonsyndromic hearing loss. In summary, this varian t meets criteria to be classified as pathogenic for nonsyndromic hearing loss in an autosomal recessive manner based upon biallelic observations in affected ind ividuals, segregation evidence, and low frequency in the general population. ACM G/AMP Criteria applied: PP1, PP3, PM2, PM3_VS.

Athena Diagnostics
Classification: Pathogenic. Last evaluated: 2016-08-26. Review status: criteria provided, single submitter. Criteria: Athena Diagnostics Criteria. Collection method: clinical testing. Allele origin: germline.

Genetic Services Laboratory, University of Chicago
Classification: Pathogenic for Hearing impairment. Last evaluated: 2013-02-08. Review status: criteria provided, single submitter. Criteria: ACMG Guidelines, 2007. Collection method: clinical testing. Allele origin: germline. Inheritance: Autosomal recessive inheritance. Affected: yes.

Molecular Genetics Laboratory, BC Children's and BC Women's Hospitals
Classification: Pathogenic for Nonsyndromic Deafness. Last evaluated: 2025-06-24. Review status: no assertion criteria provided. Criteria: ACMG Guidelines, 2015. Collection method: clinical testing. Allele origin: germline. Affected: yes. Not counted in ClinVar's aggregate classification.

PreventionGenetics, part of Exact Sciences
Classification: Pathogenic for GJB2-related condition. Last evaluated: 2024-08-02. Review status: no assertion criteria provided. Collection method: clinical testing. Allele origin: germline. Not counted in ClinVar's aggregate classification.
Comment: The GJB2 c.283G>A variant is predicted to result in the amino acid substitution p.Val95Met. This variant has been reported as causative for autosomal recessive hearing loss (Kelley et al. 1998. PubMed ID: 9529365; Oliveira et al. 2002. PubMed ID: 12081719; Pandya et al. 2003. PubMed ID: 12865758; Cryns et al. 2004. PubMed ID: 14985372; Marlin et al. 2005. PubMed ID: 15967879; Figueroa-Ildefonso et al. 2019. PubMed ID: 31370293). Functional studies found this variant does not affect gap junction formation or ionic permeability, but does reduce the intercellular exchange of larger molecules (Wang et al. 2003. PubMed ID: 12562518; Zhang et al. 2005. PubMed ID: 16217030). This variant is reported in 0.014% of alleles in individuals of Latino descent in gnomAD. This variant is interpreted as pathogenic.

Counsyl
Classification: Likely pathogenic for Deafness, autosomal recessive 1A. Last evaluated: 2014-11-07. Review status: no assertion criteria provided. Collection method: literature only. Allele origin: unknown. Inheritance: Autosomal recessive inheritance. Not counted in ClinVar's aggregate classification.

Literature cited by the submitters: PubMed 11216656 (cited by 3 submitters); PubMed 14985372 (cited by 7 submitters); PubMed 23668481 (cited by 3 submitters); PubMed 27398341 (cited by Labcorp Genetics (formerly Invitae), Labcorp and Dasa); PubMed 16217030 (cited by 5 submitters); PubMed 9529365 (cited by 7 submitters); PubMed 12081719 (cited by 6 submitters); PubMed 31370293 (cited by Natera, Inc.); PubMed 12792423 (cited by Victorian Clinical Genetics Services, Murdoch Childrens Research Institute); PubMed 20301449 (cited by Victorian Clinical Genetics Services, Murdoch Childrens Research Institute); PubMed 28428247 (cited by Victorian Clinical Genetics Services, Murdoch Childrens Research Institute); PubMed 31160754 (cited by Victorian Clinical Genetics Services, Murdoch Childrens Research Institute); PubMed 24156272 (cited by Victorian Clinical Genetics Services, Murdoch Childrens Research Institute); PubMed 12865758 (cited by 4 submitters); PubMed 16222667 (cited by 4 submitters); PubMed 24158611 (cited by Women's Health and Genetics/Laboratory Corporation of America, LabCorp and INGEBI, INGEBI / CONICET); PubMed 21481246 (cited by 3 submitters); PubMed 23503914 (cited by Women's Health and Genetics/Laboratory Corporation of America, LabCorp and Athena Diagnostics); PubMed 12239718 (cited by 4 submitters); PubMed 15967879 (cited by 4 submitters); PubMed 16380907 (cited by INGEBI, INGEBI / CONICET and Counsyl); PubMed 20234132 (cited by INGEBI, INGEBI / CONICET); PubMed 26043044 (cited by INGEBI, INGEBI / CONICET and Athena Diagnostics); PubMed 1693158 (cited by Laboratory for Molecular Medicine, Mass General Brigham Personalized Medicine); PubMed 12562518 (cited by 3 submitters); PubMed 26399936 (cited by Athena Diagnostics).